The following is an entry in ClinVar:

NM_000518.5(HBB):c.233A>T (p.His78Leu)

Genes: HBB (hemoglobin subunit beta; minus strand), LOC106099062 (HBB recombination region; plus strand), LOC107133510 (origin of replication at HBB; plus strand). Cytogenetic location: 11p15.4.
Variant type: single nucleotide variant.
Coding change: c.233A>T on transcript NM_000518.5 (MANE Select); coding-DNA position 233, A replaced by T.
Protein change: p.His78Leu; replaces histidine 78 with leucine.
Molecular consequence: missense variant.
Genome position (GRCh38, 1-based): chr11:5,226,659, T>A on the plus strand (A>T on the coding strand, the complement: HBB is on the minus strand). VCF-style: chr11-5226659-T-A. GRCh37 (hg19) VCF-style: chr11-5247889-T-A.
Other names: short protein forms H78L.
Identifiers: ClinVar variation 4685642 (VCV004685642.1).

ClinVar aggregate classification (germline): Likely benign (1 of 4 stars; one submission).

Submission:

ARUP Laboratories, Molecular Genetics and Genomics, ARUP Laboratories
Classification: Likely benign. Last evaluated: 2024-12-03. Review status: criteria provided, single submitter. Criteria: ARUP Molecular Germline Variant Investigation Process 2024. Collection method: clinical testing. Allele origin: germline.
Comment: The Hb St. Joseph's variant (HBB: c.233A>T; p.His78Leu, also known as His77Leu when numbered from the mature protein, rs33952543, HbVar ID:1181) is reported in a heterozygous individual with normal hematology (Patterson 2003, HbVar database and references therein). This variant is absent from the Genome Aggregation Database (v2.1.1), indicating it is not a common polymorphism. Computational analyses predict that this variant is deleterious (REVEL: 0.705). Based on available information, the Hb St. Joseph's variant is considered to be likely benign. References: Link to HbVar database: Patterson M et al. Identification of a new hemoglobin variant: Hb St. Joseph's (beta77(EF1)His-->Leu). Hemoglobin. 2003 Aug;27(3):181-3. PMID: 12908803.